The following is an entry in ClinVar:

ClinVar aggregate classification (germline): Uncertain significance (1 of 4 stars; one submission).

Submission:

Labcorp Genetics (formerly Invitae), Labcorp
Classification: Uncertain significance. Last evaluated: 2025-03-13. Review status: criteria provided, single submitter. Criteria: Invitae Variant Classification Sherloc (09022015). Collection method: clinical testing. Allele origin: germline.
Comment: This sequence change affects codon 190 of the CYFIP2 mRNA. It is a 'silent' change, meaning that it does not change the encoded amino acid sequence of the CYFIP2 protein. It affects a nucleotide within the consensus splice site. This variant is not present in population databases (gnomAD no frequency). This variant has not been reported in the literature in individuals affected with CYFIP2-related conditions. Algorithms developed to predict the effect of sequence changes on RNA splicing suggest that this variant may create or strengthen a splice site. In summary, the available evidence is currently insufficient to determine the role of this variant in disease. Therefore, it has been classified as a Variant of Uncertain Significance.

NM_001037333.3(CYFIP2):c.570G>A (p.Arg190=)

Gene: CYFIP2 (cytoplasmic FMR1 interacting protein 2; plus strand). Cytogenetic location: 5q33.3.
Variant type: single nucleotide variant.
Coding change: c.570G>A on transcript NM_001037333.3 (MANE Select); coding-DNA position 570, G replaced by A.
Protein change: p.Arg190=; no amino-acid change (arginine 190 retained).
Molecular consequence: synonymous variant.
Genome position (GRCh38, 1-based): chr5:157,302,794, G>A. VCF-style: chr5-157302794-G-A. GRCh37 (hg19) VCF-style: chr5-156729802-G-A.
Other names: c.492G>A, p.Arg164= (NM_001291721.2); c.570G>A, p.Arg190= (NM_001291722.2, NM_014376.4).
Identifiers: ClinVar variation 4780516 (VCV004780516.1).